The following is an entry in ClinVar:

ClinVar aggregate classification (germline): Uncertain significance. Review status: criteria provided, multiple submitters, no conflicts (2 of 4 stars). 2 submissions from 2 submitters: Uncertain significance (2). Last evaluated 2024-10-30.

Conditions:
Hereditary cancer-predisposing syndrome. Also called: Tumor predisposition; Hereditary neoplastic syndrome; Hereditary Cancer Syndrome; Neoplastic Syndromes, Hereditary. Identifiers: Orphanet 140162, MedGen C0027672, MeSH D009386, MONDO:0015356.
Ataxia-telangiectasia syndrome (AT). Also called: Ataxia telangiectasia (A-T); LOUIS-BAR SYNDROME; Cerebello-oculocutaneous telangiectasia; Immunodeficiency with ataxia telangiectasia; Ataxia-telangiectasia, complementation group E; Ataxia-telangiectasia. Identifiers: Orphanet 100, MedGen C0004135, MONDO:0008840, OMIM 208900.

gnomAD v4.1: 1 of 1,613,970 alleles (0.000062%); highest among the groups gnomAD compares: South Asian, 0.0011%; no homozygotes.

Submissions (2):

Labcorp Genetics (formerly Invitae), Labcorp
Classification: Uncertain significance for Ataxia-telangiectasia syndrome. Last evaluated: 2024-10-30. Review status: criteria provided, single submitter. Criteria: Invitae Variant Classification Sherloc (09022015). Collection method: clinical testing. Allele origin: germline.
Comment: This sequence change replaces leucine, which is neutral and non-polar, with valine, which is neutral and non-polar, at codon 895 of the ATM protein (p.Leu895Val). This variant is not present in population databases (gnomAD no frequency). This variant has not been reported in the literature in individuals affected with ATM-related conditions. Invitae Evidence Modeling of protein sequence and biophysical properties (such as structural, functional, and spatial information, amino acid conservation, physicochemical variation, residue mobility, and thermodynamic stability) indicates that this missense variant is not expected to disrupt ATM protein function with a negative predictive value of 95%. In summary, the available evidence is currently insufficient to determine the role of this variant in disease. Therefore, it has been classified as a Variant of Uncertain Significance.

Color Diagnostics, LLC DBA Color Health
Classification: Uncertain significance for Hereditary cancer-predisposing syndrome. Last evaluated: 2024-09-30. Review status: criteria provided, single submitter. Criteria: ACMG Guidelines, 2015. Collection method: clinical testing. Allele origin: germline.
Comment: This missense variant replaces leucine with valine at codon 895 of the ATM protein. Computational prediction suggests that this variant may not impact protein structure and function (internally defined REVEL score threshold <= 0.5, PMID: 27666373). To our knowledge, functional studies have not been reported for this variant. This variant has not been reported in individuals affected with ATM-related disorders in the literature. This variant has not been identified in the general population by the Genome Aggregation Database (gnomAD). The available evidence is insufficient to determine the role of this variant in disease conclusively. Therefore, this variant is classified as a Variant of Uncertain Significance.

NM_000051.4(ATM):c.2683C>G (p.Leu895Val)

Gene: ATM (ATM serine/threonine kinase; plus strand). Cytogenetic location: 11q22.3.
Variant type: single nucleotide variant.
Coding change: c.2683C>G on transcript NM_000051.4 (MANE Select); coding-DNA position 2683, C replaced by G.
Protein change: p.Leu895Val; replaces leucine 895 with valine.
Molecular consequence: missense variant.
Genome position (GRCh38, 1-based): chr11:108,268,454, C>G. VCF-style: chr11-108268454-C-G. GRCh37 (hg19) VCF-style: chr11-108139181-C-G.
Other names: c.2683C>G, p.Leu895Val (NM_001351834.2); short protein forms L895V.
Identifiers: ClinVar variation 3681379 (VCV003681379.3).